The following is an entry in ClinVar:

NM_000257.4(MYH7):c.5332C>A (p.His1778Asn)

Gene: MYH7 (myosin heavy chain 7; minus strand). Cytogenetic location: 14q11.2.
Variant type: single nucleotide variant.
Coding change: c.5332C>A on transcript NM_000257.4 (MANE Select); coding-DNA position 5332, C replaced by A.
Protein change: p.His1778Asn; replaces histidine 1778 with asparagine.
Molecular consequence: missense variant.
Genome position (GRCh38, 1-based): chr14:23,415,222, G>T on the plus strand (C>A on the coding strand, the complement: MYH7 is on the minus strand). VCF-style: chr14-23415222-G-T. GRCh37 (hg19) VCF-style: chr14-23884431-G-T.
Other names: c.5332C>A, p.His1778Asn (NM_001407004.1); short protein forms H1778N.
Identifiers: ClinVar variation 4758749 (VCV004758749.1).

ClinVar aggregate classification (germline): Uncertain significance (1 of 4 stars; one submission).

Conditions:
Cardiomyopathy (CMYO). Also called: Cardiomyopathies. Identifiers: Orphanet 167848, MedGen C0878544, MONDO:0004994, HP:0001638. Inheritance: Various modes of inheritance.

Submission:

Color Diagnostics, LLC DBA Color Health
Classification: Uncertain significance for Cardiomyopathy. Last evaluated: 2025-06-03. Review status: criteria provided, single submitter. Criteria: ACMG Guidelines, 2015. Collection method: clinical testing. Allele origin: germline.
Comment: This missense variant replaces histidine with asparagine at codon 1778 of the MYH7 protein. Computational prediction is inconclusive regarding the impact of this variant on protein structure and function. To our knowledge, functional studies have not been reported for this variant. This variant has not been reported in individuals affected with MYH7-related disorders in the literature. This variant has not been identified in the general population by the Genome Aggregation Database (gnomAD). The available evidence is insufficient to determine the role of this variant in disease conclusively. Therefore, this variant is classified as a Variant of Uncertain Significance.